The following is an entry in ClinVar:

NM_015874.6(RBPJ):c.869A>C (p.Glu290Ala)

Gene: RBPJ (recombination signal binding protein for immunoglobulin kappa J region; plus strand). Cytogenetic location: 4p15.2.
Variant type: single nucleotide variant.
Coding change: c.869A>C on transcript NM_015874.6 (MANE Select); coding-DNA position 869, A replaced by C.
Protein change: p.Glu290Ala; replaces glutamic acid 290 with alanine.
Molecular consequence: missense variant.
Genome position (GRCh38, 1-based): chr4:26,428,841, A>C. VCF-style: chr4-26428841-A-C. GRCh37 (hg19) VCF-style: chr4-26430463-A-C.
Other names: c.803A>C, p.Glu268Ala (NM_001363577.2, NM_203283.5); c.908A>C, p.Glu303Ala (NM_001374400.1, NM_001379408.1, NM_005349.4); c.866A>C, p.Glu289Ala (NM_001374401.1, NM_001374402.1, NM_001374403.1 and 3 more transcripts); c.863A>C, p.Glu288Ala (NM_001379409.1); short protein forms E268A, E289A, E290A, E303A, E288A.
Identifiers: ClinVar variation 4745871 (VCV004745871.1).

ClinVar aggregate classification (germline): Uncertain significance (1 of 4 stars; one submission).

gnomAD v4.1: 1 of 1,602,072 alleles (0.000062%); highest among the groups gnomAD compares: Admixed American, 0.0017%; no homozygotes.

Submission:

Labcorp Genetics (formerly Invitae), Labcorp
Classification: Uncertain significance. Last evaluated: 2025-09-09. Review status: criteria provided, single submitter. Criteria: Invitae Variant Classification Sherloc (09022015). Collection method: clinical testing. Allele origin: germline.
Comment: This sequence change replaces glutamic acid, which is acidic and polar, with alanine, which is neutral and non-polar, at codon 303 of the RBPJ protein (p.Glu303Ala). This variant is not present in population databases (gnomAD no frequency). This variant has not been reported in the literature in individuals affected with RBPJ-related conditions. Invitae Evidence Modeling of protein sequence and biophysical properties (such as structural, functional, and spatial information, amino acid conservation, physicochemical variation, residue mobility, and thermodynamic stability) indicates that this missense variant is not expected to disrupt RBPJ protein function with a negative predictive value of 80%. In summary, the available evidence is currently insufficient to determine the role of this variant in disease. Therefore, it has been classified as a Variant of Uncertain Significance.